The following is an entry in ClinVar:

NM_000932.5(PLCB3):c.2058C>T (p.Asn686=)

Gene: PLCB3 (phospholipase C beta 3; plus strand). Cytogenetic location: 11q13.1.
Variant type: single nucleotide variant.
Coding change: c.2058C>T on transcript NM_000932.5 (MANE Select); coding-DNA position 2058, C replaced by T.
Protein change: p.Asn686=; no amino-acid change (asparagine 686 retained).
Molecular consequence: synonymous variant.
Genome position (GRCh38, 1-based): chr11:64,262,426, C>T. VCF-style: chr11-64262426-C-T. GRCh37 (hg19) VCF-style: chr11-64029898-C-T.
Other names: c.1857C>T, p.Asn619= (NM_001184883.2); c.2058C>T, p.Asn686= (NM_001316314.3).
Identifiers: ClinVar variation 4821283 (VCV004821283.4).

ClinVar aggregate classification (germline): Likely benign (1 of 4 stars; one submission).

gnomAD v4.1: 26 of 1,613,574 alleles (0.0016%); highest among the groups gnomAD compares: South Asian, 0.0033%; no homozygotes.

Submission:

CeGaT Center for Human Genetics Tuebingen
Classification: Likely benign. Last evaluated: 2026-02-01. Review status: criteria provided, single submitter. Criteria: CeGaT Center For Human Genetics Tuebingen Variant Classification Criteria Version 2. Collection method: clinical testing. Allele origin: germline. Affected: yes. Observed: 1 variant allele.
Comment: PLCB3: BP4, BP7